The following is an entry in ClinVar:

NM_001184.4(ATR):c.1803C>G (p.Ser601=)

Gene: ATR (ATR checkpoint kinase; minus strand). Cytogenetic location: 3q23.
Variant type: single nucleotide variant.
Coding change: c.1803C>G on transcript NM_001184.4 (MANE Select); coding-DNA position 1803, C replaced by G.
Protein change: p.Ser601=; no amino-acid change (serine 601 retained).
Molecular consequence: synonymous variant.
Genome position (GRCh38, 1-based): chr3:142,558,706, G>C on the plus strand (C>G on the coding strand, the complement: ATR is on the minus strand). VCF-style: chr3-142558706-G-C. GRCh37 (hg19) VCF-style: chr3-142277548-G-C.
Other names: c.1611C>G, p.Ser537= (NM_001354579.2).
Identifiers: ClinVar variation 1411585 (VCV001411585.12), dbSNP rs758693664, ClinGen allele CA2650513.
Genomic context (GRCh38, chr3:142,558,706, plus strand): 5'-GCTTAATGTTAGAAGATTAGCGGCAAATGTGGTCAACTTTAAACAGCCATCATCAGAATG[G>C]GAATAAATCCATGGAAGTGAGAGCATACCACATAAATCTTCCAGGATATGATCTTCAAAT-3'
Protein context (NP_001175.2, residues 591-611): CGMLSLPWIY[Ser601=]HSDDGCLKLT

ClinVar aggregate classification (germline): Likely benign. Review status: criteria provided, multiple submitters, no conflicts (2 of 4 stars). 6 submissions from 5 submitters: Likely benign (6). Last evaluated 2026-07-01.

Conditions:
Inborn genetic diseases. Identifiers: MedGen C0950123, MeSH D030342.
Seckel syndrome 1 (SCKL1). Also called: MICROCEPHALIC PRIMORDIAL DWARFISM I. Identifiers: Orphanet 808, MedGen C4551474, MONDO:0008869, OMIM 210600.
Familial cutaneous telangiectasia and oropharyngeal predisposition cancer syndrome. Identifiers: Orphanet 313846, MedGen C3281203, MONDO:0013806, OMIM 614564.

Allele frequency attached by ClinVar (database versions not stated): TOPMed 0.00004; ExAC 0.00001; gnomAD 0.00001 and 0.00002; gnomAD exomes 0.00003.
gnomAD v4.1: 27 of 1,612,312 alleles (0.0017%); highest among the groups gnomAD compares: Admixed American, 0.018%; no homozygotes.

Submissions (6):

CeGaT Center for Human Genetics Tuebingen
Classification: Likely benign. Last evaluated: 2026-07-01. Review status: criteria provided, single submitter. Criteria: CeGaT Center For Human Genetics Tuebingen Variant Classification Criteria Version 2. Collection method: clinical testing. Allele origin: germline. Affected: yes. Observed: 1 variant allele.
Comment: ATR: BP4, BP7

Labcorp Genetics (formerly Invitae), Labcorp
Classification: Likely benign. Last evaluated: 2025-12-01. Review status: criteria provided, single submitter. Criteria: Invitae Variant Classification Sherloc (09022015). Collection method: clinical testing. Allele origin: germline.

Genome-Nilou Lab
Classification: Likely benign for Seckel syndrome 1. Last evaluated: 2023-02-08. Review status: criteria provided, single submitter. Criteria: ACMG Guidelines, 2015. Collection method: clinical testing. Allele origin: germline.

Genome-Nilou Lab
Classification: Likely benign for Familial cutaneous telangiectasia and oropharyngeal predisposition cancer syndrome. Last evaluated: 2023-02-08. Review status: criteria provided, single submitter. Criteria: ACMG Guidelines, 2015. Collection method: clinical testing. Allele origin: germline.

Blueprint Genetics
Classification: Likely benign. Last evaluated: 2023-01-26. Review status: criteria provided, single submitter. Criteria: ACMG Guidelines, 2015. Collection method: clinical testing. Allele origin: germline.

Ambry Genetics
Classification: Likely benign for Inborn genetic diseases. Last evaluated: 2022-04-08. Review status: criteria provided, single submitter. Criteria: Ambry Variant Classification Scheme 2023. Collection method: clinical testing. Allele origin: germline.